The following is an entry in ClinVar:

ClinVar aggregate classification (germline): Uncertain significance. Review status: criteria provided, multiple submitters, no conflicts (2 of 4 stars). 4 submissions from 4 submitters: Uncertain significance (4). Last evaluated 2025-08-04.

Allele frequency attached by ClinVar (database versions not stated): TOPMed 0.00002; gnomAD exomes 0.00003; ExAC 0.00004.
gnomAD v4.1: 49 of 1,610,260 alleles (0.003%); highest among the groups gnomAD compares: Middle Eastern, 0.18%; no homozygotes.

Submissions (4):

Labcorp Genetics (formerly Invitae), Labcorp
Classification: Uncertain significance. Last evaluated: 2025-08-04. Review status: criteria provided, single submitter. Criteria: Invitae Variant Classification Sherloc (09022015). Collection method: clinical testing. Allele origin: germline.
Comment: This sequence change replaces proline, which is neutral and non-polar, with histidine, which is basic and polar, at codon 43 of the KERA protein (p.Pro43His). This variant is present in population databases (rs202094304, gnomAD 0.006%). This variant has not been reported in the literature in individuals affected with KERA-related conditions. ClinVar contains an entry for this variant (Variation ID: 2170959). An algorithm developed to predict the effect of missense changes on protein structure and function (PolyPhen-2) suggests that this variant is likely to be disruptive. In summary, the available evidence is currently insufficient to determine the role of this variant in disease. Therefore, it has been classified as a Variant of Uncertain Significance.

Blueprint Genetics
Classification: Uncertain significance. Last evaluated: 2024-10-08. Review status: criteria provided, single submitter. Criteria: ACMG Guidelines, 2015. Collection method: clinical testing. Allele origin: germline.

Ambry Genetics
Classification: Uncertain significance. Last evaluated: 2024-09-03. Review status: criteria provided, single submitter. Criteria: Ambry Variant Classification Scheme 2023. Collection method: clinical testing. Allele origin: germline.

GeneDx
Classification: Uncertain significance. Last evaluated: 2022-12-13. Review status: criteria provided, single submitter. Criteria: GeneDx Variant Classification Process June 2021. Collection method: clinical testing. Allele origin: germline. Affected: yes.
Comment: In silico analysis supports that this missense variant has a deleterious effect on protein structure/function; Has not been previously published as pathogenic or benign to our knowledge

NM_007035.4(KERA):c.128C>A (p.Pro43His)

Gene: KERA (keratocan; minus strand). Cytogenetic location: 12q21.33.
Variant type: single nucleotide variant.
Coding change: c.128C>A on transcript NM_007035.4 (MANE Select); coding-DNA position 128, C replaced by A.
Protein change: p.Pro43His; replaces proline 43 with histidine.
Molecular consequence: missense variant.
Genome position (GRCh38, 1-based): chr12:91,056,154, G>T on the plus strand (C>A on the coding strand, the complement: KERA is on the minus strand). VCF-style: chr12-91056154-G-T. GRCh37 (hg19) VCF-style: chr12-91449931-G-T.
Other names: short protein forms P43H.
Identifiers: ClinVar variation 2170959 (VCV002170959.7), dbSNP rs202094304, ClinGen allele CA6716634.